The following is an entry in ClinVar:

NM_000490.5(AVP):c.260C>A (p.Ser87Tyr)

Gene: AVP (arginine vasopressin; minus strand). Cytogenetic location: 20p13.
Variant type: single nucleotide variant.
Coding change: c.260C>A on transcript NM_000490.5 (MANE Select); coding-DNA position 260, C replaced by A.
Protein change: p.Ser87Tyr; replaces serine 87 with tyrosine.
Molecular consequence: missense variant.
Genome position (GRCh38, 1-based): chr20:3,083,039, G>T on the plus strand (C>A on the coding strand, the complement: AVP is on the minus strand). VCF-style: chr20-3083039-G-T. GRCh37 (hg19) VCF-style: chr20-3063685-G-T.
Other names: c.260C>A (NM_000490.4); short protein forms S87Y.
Identifiers: ClinVar variation 1285212 (VCV001285212.4), dbSNP rs121964890, ClinGen allele CA408061593.

ClinVar aggregate classification (germline): Uncertain significance. Review status: criteria provided, single submitter (1 of 4 stars). 3 submissions from 3 submitters: Uncertain significance (1). 2 of the submissions do not count toward it. Last evaluated 2026-02-26.

Conditions:
AVP-related disorder. Also called: AVP-related condition.

Submissions (3):

PreventionGenetics, part of Exact Sciences
Classification: Uncertain significance for AVP-related condition. Last evaluated: 2026-02-26. Review status: criteria provided, single submitter. Criteria: ACMG Guidelines, 2015. Collection method: clinical testing. Allele origin: germline.
Comment: The AVP c.260C>A variant is predicted to result in the amino acid substitution p.Ser87Tyr. To our knowledge, this variant has not been reported in the literature in individuals with AVP-related disease or in a large population database (gnomAD), indicating this variant is rare. An alternate missense substitution affecting the same amino acid (p.Ser87Phe) has been reported to segregate with disease in multiple individuals from a family with diabetes insipidus (referred to as g.1857C>T, Grant et al. 1998. PubMed ID: 9814475). Although we suspect that this variant may be pathogenic, at this time, the clinical significance of this variant is uncertain due to the absence of conclusive functional and genetic evidence.

Genome Diagnostics Laboratory, University Medical Center Utrecht
Classification: Pathogenic. Review status: no assertion criteria provided. Collection method: clinical testing. Allele origin: germline. Affected: yes. Study: VKGL Data-share Consensus. Not counted in ClinVar's aggregate classification.

Joint Genome Diagnostic Labs from Nijmegen and Maastricht, Radboudumc and MUMC+
Classification: Likely pathogenic. Review status: no assertion criteria provided. Collection method: clinical testing. Allele origin: germline. Affected: yes. Study: VKGL Data-share Consensus. Not counted in ClinVar's aggregate classification.